The following is an entry in ClinVar:

ClinVar aggregate classification (germline): Uncertain significance (1 of 4 stars; one submission).

Conditions:
Mucopolysaccharidosis type 1. Also called: Mucopolysaccharidosis Type I; IDUA deficiency; MPS I. Identifiers: Orphanet 579, MedGen C0023786, MONDO:0001586.

Submission:

Labcorp Genetics (formerly Invitae), Labcorp
Classification: Uncertain significance for Mucopolysaccharidosis type 1. Last evaluated: 2024-10-21. Review status: criteria provided, single submitter. Criteria: Invitae Variant Classification Sherloc (09022015). Collection method: clinical testing. Allele origin: germline.
Comment: This sequence change falls in intron 8 of the IDUA gene. It does not directly change the encoded amino acid sequence of the IDUA protein. It affects a nucleotide within the consensus splice site. This variant is not present in population databases (gnomAD no frequency). This variant has not been reported in the literature in individuals affected with IDUA-related conditions. Variants that disrupt the consensus splice site are a relatively common cause of aberrant splicing (PMID: 17576681, 9536098). Algorithms developed to predict the effect of sequence changes on RNA splicing suggest that this variant is not likely to affect RNA splicing. In summary, the available evidence is currently insufficient to determine the role of this variant in disease. Therefore, it has been classified as a Variant of Uncertain Significance.

Literature cited by the submitters: PubMed 17576681; PubMed 9536098.

NM_000203.5(IDUA):c.1189+6C>T

Gene: IDUA (alpha-L-iduronidase; plus strand). Cytogenetic location: 4p16.3.
Variant type: single nucleotide variant.
Coding change: c.1189+6C>T on transcript NM_000203.5 (MANE Select); 6 bases into the intron after coding-DNA position 1189, C replaced by T.
Molecular consequence: intron variant.
Genome position (GRCh38, 1-based): chr4:1,002,491, C>T. VCF-style: chr4-1002491-C-T. GRCh37 (hg19) VCF-style: chr4-996279-C-T.
Other names: c.793+6C>T (NM_001363576.1).
Identifiers: ClinVar variation 3723467 (VCV003723467.2).